The following is an entry in ClinVar:

ClinVar aggregate classification (germline): Uncertain significance (1 of 4 stars; one submission).

Submission:

Labcorp Genetics (formerly Invitae), Labcorp
Classification: Uncertain significance. Last evaluated: 2022-05-03. Review status: criteria provided, single submitter. Criteria: Invitae Variant Classification Sherloc (09022015). Collection method: clinical testing. Allele origin: germline.
Comment: Algorithms developed to predict the effect of missense changes on protein structure and function (SIFT, PolyPhen-2, Align-GVGD) all suggest that this variant is likely to be tolerated. This variant has not been reported in the literature in individuals affected with THBD-related conditions. This variant is not present in population databases (gnomAD no frequency). This sequence change replaces asparagine, which is neutral and polar, with serine, which is neutral and polar, at codon 289 of the THBD protein (p.Asn289Ser). In summary, the available evidence is currently insufficient to determine the role of this variant in disease. Therefore, it has been classified as a Variant of Uncertain Significance.

NM_000361.3(THBD):c.866A>G (p.Asn289Ser)

Gene: THBD (thrombomodulin; minus strand). Cytogenetic location: 20p11.21.
Variant type: single nucleotide variant.
Coding change: c.866A>G on transcript NM_000361.3 (MANE Select); coding-DNA position 866, A replaced by G.
Protein change: p.Asn289Ser; replaces asparagine 289 with serine.
Molecular consequence: missense variant.
Genome position (GRCh38, 1-based): chr20:23,048,639, T>C on the plus strand (A>G on the coding strand, the complement: THBD is on the minus strand). VCF-style: chr20-23048639-T-C. GRCh37 (hg19) VCF-style: chr20-23029276-T-C.
Other names: short protein forms N289S.
Identifiers: ClinVar variation 1967030 (VCV001967030.5), dbSNP rs143748797, ClinGen allele CA408406781.
Genomic context (GRCh38, chr20:23,048,639, plus strand): 5'-ATGCACGAGTAGGAGCCCGGCTGGTCGGGGTTGGGAACGCAGAAGTGCTCGCAGAGGTCG[T>C]TGCAGGACTGCGTCGCGGATGCGGTGCAGGAGCGCCCGTCTGCCTGCAGGGCGGCGCCGG-3'
Protein context (NP_000352.1, residues 279-299): SCTASATQSC[Asn289Ser]DLCEHFCVPN